The following is an entry in ClinVar:

ClinVar aggregate classification (germline): other (0 of 4 stars; one submission).

Conditions:
Familial colorectal cancer. Identifiers: MedGen CN280943, MONDO:0023113. Disease mechanism: loss of function.

Submission:

Systems Biology Platform Zhejiang California International NanoSystems Institute
Classification: other for Familial colorectal cancer. Review status: no assertion criteria provided. Collection method: not provided. Allele origin: unknown.
ClinVar note: Converted during submission from cancer to other.

NM_000038.6(APC):c.1744-1829T>C

Gene: APC (APC regulator of WNT signaling pathway; plus strand). Cytogenetic location: 5q22.2.
Variant type: single nucleotide variant.
Coding change: c.1744-1829T>C on transcript NM_000038.6 (MANE Select); 1829 bases into the intron before coding-DNA position 1744, T replaced by C.
Molecular consequence: intron variant.
Genome position (GRCh38, 1-based): chr5:112,833,122, T>C. VCF-style: chr5-112833122-T-C. GRCh37 (hg19) VCF-style: chr5-112168819-T-C.
Other names: c.1744-1829T>C (NM_001354895.2, NM_001127510.3); c.1774-1829T>C (NM_001354897.2); c.1471-1829T>C (NM_001354902.2); c.1690-1829T>C (NM_001127511.3); c.1669-1829T>C (NM_001354898.2); c.1366-1829T>C (NM_001354904.2); c.895-1829T>C (NM_001354906.2); c.1798-1829T>C (NM_001354896.2); and 5 more.
Identifiers: ClinVar variation 82607 (VCV000082607.2), dbSNP rs79107355, ClinGen allele CA005759.